The following is an entry in ClinVar:

ClinVar aggregate classification (germline): Uncertain significance (1 of 4 stars; one submission).

Conditions:
Sulfite oxidase deficiency due to molybdenum cofactor deficiency type A. Also called: Molybdenum cofactor deficiency, complementation group A; Molybdenum Cofactor Deficiency A. Identifiers: Orphanet 308386, Orphanet 833, MedGen C1854988, MONDO:0009643, OMIM 252150.

Allele frequency attached by ClinVar (database versions not stated): gnomAD exomes 0.00001.
gnomAD v4.1: 6 of 1,614,132 alleles (0.00037%); highest among the groups gnomAD compares: East Asian, 0.011%; no homozygotes.

Submission:

Labcorp Genetics (formerly Invitae), Labcorp
Classification: Uncertain significance for Sulfite oxidase deficiency due to molybdenum cofactor deficiency type A. Last evaluated: 2025-02-24. Review status: criteria provided, single submitter. Criteria: Invitae Variant Classification Sherloc (09022015). Collection method: clinical testing. Allele origin: germline.
Comment: This sequence change replaces glycine, which is neutral and non-polar, with glutamic acid, which is acidic and polar, at codon 530 of the MOCS1 protein (p.Gly530Glu). This variant is present in population databases (no rsID available, gnomAD 0.006%). This variant has not been reported in the literature in individuals affected with MOCS1-related conditions. ClinVar contains an entry for this variant (Variation ID: 2120917). An algorithm developed to predict the effect of missense changes on protein structure and function (PolyPhen-2) suggests that this variant is likely to be disruptive. In summary, the available evidence is currently insufficient to determine the role of this variant in disease. Therefore, it has been classified as a Variant of Uncertain Significance.

NM_001358530.2(MOCS1):c.1589G>A (p.Gly530Glu)

Gene: MOCS1 (molybdenum cofactor synthesis 1; minus strand). Cytogenetic location: 6p21.2.
Variant type: single nucleotide variant.
Coding change: c.1589G>A on transcript NM_001358530.2 (MANE Select); coding-DNA position 1589, G replaced by A.
Protein change: p.Gly530Glu; replaces glycine 530 with glutamic acid.
Molecular consequence: missense variant. On other transcripts: 3 prime UTR variant (4), non-coding transcript variant (1).
Genome position (GRCh38, 1-based): chr6:39,906,679, C>T on the plus strand (G>A on the coding strand, the complement: MOCS1 is on the minus strand). VCF-style: chr6-39906679-C-T. GRCh37 (hg19) VCF-style: chr6-39874455-C-T.
Other names: c.*446G>A (NM_001075098.4, NM_001358533.2, NM_001358534.2 and 1 more transcripts); c.1541G>A, p.Gly514Glu (NM_001358529.2); c.1328G>A, p.Gly443Glu (NM_001358531.2); short protein forms G443E, G514E, G530E.
Identifiers: ClinVar variation 2120917 (VCV002120917.2), dbSNP rs1412471269, ClinGen allele CA364039562.